The following is an entry in ClinVar:

NM_000245.4(MET):c.833T>C (p.Ile278Thr)

Gene: MET (MET proto-oncogene, receptor tyrosine kinase; plus strand). Cytogenetic location: 7q31.2.
Variant type: single nucleotide variant.
Coding change: c.833T>C on transcript NM_000245.4 (MANE Select); coding-DNA position 833, T replaced by C.
Protein change: p.Ile278Thr; replaces isoleucine 278 with threonine.
Molecular consequence: missense variant. On other transcripts: intron variant (1).
Genome position (GRCh38, 1-based): chr7:116,699,917, T>C. VCF-style: chr7-116699917-T-C. GRCh37 (hg19) VCF-style: chr7-116339971-T-C.
Other names: c.833T>C, p.Ile278Thr (NM_001127500.3, NM_001324401.3); c.-91+27340T>C (NM_001324402.2); short protein forms I278T.
Identifiers: ClinVar variation 4053918 (VCV004053918.1).

ClinVar aggregate classification (germline): Uncertain significance (1 of 4 stars; one submission).

Conditions:
Hereditary cancer-predisposing syndrome. Also called: Neoplastic Syndromes, Hereditary; Tumor predisposition; Hereditary neoplastic syndrome; Hereditary Cancer Syndrome. Identifiers: Orphanet 140162, MedGen C0027672, MeSH D009386, MONDO:0015356.

gnomAD v4.1: 1 of 1,614,110 alleles (0.000062%); highest among the groups gnomAD compares: Non-Finnish European, 0.000085%; no homozygotes.

Submission:

Ambry Genetics
Classification: Uncertain significance for Hereditary cancer-predisposing syndrome. Last evaluated: 2025-03-20. Review status: criteria provided, single submitter. Criteria: Ambry Variant Classification Scheme 2023. Collection method: clinical testing. Allele origin: germline.
Comment: The p.I278T variant (also known as c.833T>C), located in coding exon 1 of the MET gene, results from a T to C substitution at nucleotide position 833. The isoleucine at codon 278 is replaced by threonine, an amino acid with similar properties. This amino acid position is highly conserved in available vertebrate species. In addition, the in silico prediction for this alteration is inconclusive. Based on the available evidence, the clinical significance of this variant remains unclear.